The following is an entry in ClinVar:

NM_177965.4(CFAP418):c.400G>A (p.Ala134Thr)

Gene: CFAP418 (cilia and flagella associated protein 418; minus strand). Cytogenetic location: 8q22.1.
Variant type: single nucleotide variant.
Coding change: c.400G>A on transcript NM_177965.4 (MANE Select); coding-DNA position 400, G replaced by A.
Protein change: p.Ala134Thr; replaces alanine 134 with threonine.
Molecular consequence: missense variant. On other transcripts: intron variant (1).
Genome position (GRCh38, 1-based): chr8:95,252,258, C>T on the plus strand (G>A on the coding strand, the complement: CFAP418 is on the minus strand). VCF-style: chr8-95252258-C-T. GRCh37 (hg19) VCF-style: chr8-96264486-C-T.
Other names: c.375-4488G>A (NM_001363260.1); short protein forms A134T.
Identifiers: ClinVar variation 1681123 (VCV001681123.6), dbSNP rs2132155216, ClinGen allele CA371838594.

ClinVar aggregate classification (germline): Uncertain significance (1 of 4 stars; one submission).

Submission:

Labcorp Genetics (formerly Invitae), Labcorp
Classification: Uncertain significance. Last evaluated: 2022-07-19. Review status: criteria provided, single submitter. Criteria: Invitae Variant Classification Sherloc (09022015). Collection method: clinical testing. Allele origin: germline.
Comment: This sequence change replaces alanine, which is neutral and non-polar, with threonine, which is neutral and polar, at codon 134 of the C8orf37 protein (p.Ala134Thr). This variant is not present in population databases (gnomAD no frequency). This variant has not been reported in the literature in individuals affected with C8orf37-related conditions. ClinVar contains an entry for this variant (Variation ID: 1681123). Algorithms developed to predict the effect of missense changes on protein structure and function (SIFT, PolyPhen-2, Align-GVGD) all suggest that this variant is likely to be tolerated. In summary, the available evidence is currently insufficient to determine the role of this variant in disease. Therefore, it has been classified as a Variant of Uncertain Significance.